The following is an entry in ClinVar:

NM_033163.5(FGF8):c.86_103dup (p.Gly29_Arg34dup)

Gene: FGF8 (fibroblast growth factor 8; minus strand). Cytogenetic location: 10q24.32.
Variant type: Duplication.
Coding change: c.86_103dup on transcript NM_033163.5 (MANE Select); coding-DNA positions 86 to 103, 18 bases duplicated (GCCCTGCGCTGGGCAGGG).
Protein change: p.Gly29_Arg34dup.
Molecular consequence: inframe insertion. On other transcripts: intron variant (3).
Genome position (GRCh38, 1-based): chr10:101,775,183-101,775,200, CCCTGCCCAGCGCAGGGC duplicated on the plus strand (GCCCTGCGCTGGGCAGGG on the coding strand, the reverse complement: FGF8 is on the minus strand); duplicating any 18 consecutive bases within chr10:101,775,183-101,775,208 gives the same sequence; the c. name uses the placement nearest the transcript's 3' end. VCF-style (leftmost placement, unchanged base first): chr10-101775182-T-TCCCTGCCCAGCGCAGGGC. GRCh37 (hg19) VCF-style: chr10-103534939-T-TCCCTGCCCAGCGCAGGGC.
Other names: c.86_103dup, p.Gly29_Arg34dup (NM_033164.4); c.-123-321_-123-304dup (NM_001206389.2); c.70-321_70-304dup (NM_033165.5); c.70-288_70-271dup (NM_006119.6); c.86_103dupGCCCTGCGCTGGGCAGGG (NM_033163.3).
Identifiers: ClinVar variation 545463 (VCV000545463.22), dbSNP rs762175290, ClinGen allele CA5657684.

ClinVar aggregate classification (germline): Conflicting classifications of pathogenicity. Review status: criteria provided, conflicting classifications (1 of 4 stars). 7 submissions from 7 submitters: Uncertain significance (2); Benign (1); Likely benign (3). 1 of the submissions does not count toward it. Last evaluated 2025-12-08.

Conditions:
FGF8-related disorder. Also called: FGF8-related condition.
Holoprosencephaly sequence (HPE). Also called: Holoprosencephaly. Identifiers: Orphanet 2162, MedGen C0079541, MONDO:0016296, HP:0001360.
Hypogonadotropic hypogonadism 6 with or without anosmia (HH6). Also called: HYPOGONADOTROPIC HYPOGONADISM 6 WITHOUT ANOSMIA; HYPOGONADOTROPIC HYPOGONADISM 6 WITH ANOSMIA; FGF8-Related GnRH Deficiency (Kallmann Syndrome 6). Identifiers: Orphanet 478, MedGen C3552574, MONDO:0012988, OMIM 612702.

Submissions (7):

Labcorp Genetics (formerly Invitae), Labcorp
Classification: Likely benign. Last evaluated: 2025-12-08. Review status: criteria provided, single submitter. Criteria: Invitae Variant Classification Sherloc (09022015). Collection method: clinical testing. Allele origin: germline.

GeneDx
Classification: Uncertain significance. Last evaluated: 2025-04-04. Review status: criteria provided, single submitter. Criteria: GeneDx Variant Classification Process June 2021. Collection method: clinical testing. Allele origin: germline. Affected: yes.
Comment: In-frame duplication of six amino acids in a non-repeat region; This variant is associated with the following publications: (PMID: 25131394, 26857713)

Blueprint Genetics
Classification: Likely benign. Last evaluated: 2024-11-21. Review status: criteria provided, single submitter. Criteria: ACMG Guidelines, 2015. Collection method: clinical testing. Allele origin: germline.

ARUP Laboratories, Molecular Genetics and Genomics, ARUP Laboratories
Classification: Likely benign for Hypogonadotropic hypogonadism 6 with or without anosmia. Last evaluated: 2023-11-07. Review status: criteria provided, single submitter. Criteria: ARUP Molecular Germline Variant Investigation Process 2024. Collection method: clinical testing. Allele origin: germline.

Muenke lab, National Institutes of Health
Classification: Uncertain significance for Holoprosencephaly sequence. Last evaluated: 2018-04-20. Review status: criteria provided, single submitter. Criteria: Submitter's publication. Collection method: research. Allele origin: not applicable. Inheritance: Autosomal dominant inheritance.
Comment: While absent from public databases, this may be due to technical issues. At least 3 un-related probands (and one transmitting healthy parent) are positive for this missense change. Experimentally normal with ACMG criteria: BS3;PM2. No predictions for indel effects are given.

Athena Diagnostics
Classification: Benign. Last evaluated: 2018-02-09. Review status: criteria provided, single submitter. Criteria: Athena Diagnostics Criteria. Collection method: clinical testing. Allele origin: germline.

PreventionGenetics, part of Exact Sciences
Classification: Likely benign for FGF8-related condition. Last evaluated: 2021-03-17. Review status: no assertion criteria provided. Collection method: clinical testing. Allele origin: germline. Not counted in ClinVar's aggregate classification.
Comment: This variant is classified as likely benign based on ACMG/AMP sequence variant interpretation guidelines (Richards et al. 2015 PMID: 25741868, with internal and published modifications).

Literature cited by the submitters: PubMed 25131394 (cited by Athena Diagnostics); PubMed 22399515 (cited by Athena Diagnostics); PubMed 26857713 (cited by Athena Diagnostics).